The following is an entry in ClinVar:

NC_000019.9:g.(?_6495175)_(6496252_?)del

Gene: TUBB4A (tubulin beta 4A class IVa; minus strand). Cytogenetic location: 19p13.3.
Variant type: Deletion.
Identifiers: ClinVar variation 2425509 (VCV002425509.4).

ClinVar aggregate classification (germline): Uncertain significance (1 of 4 stars; one submission).

Conditions:
Leukodystrophy, hypomyelinating, 6. Also called: LEUKODYSTROPHY, HYPOMYELINATING, WITH ATROPHY OF THE BASAL GANGLIA AND CEREBELLUM; TUBB4A-Associated Leukodystrophy; Hypomyelination with Atrophy of Basal Ganglia and Cerebellum (H-ABC). Identifiers: Orphanet 139441, MedGen C2676244, MONDO:0012905, OMIM 612438.

Submission:

Labcorp Genetics (formerly Invitae), Labcorp
Classification: Uncertain significance for Leukodystrophy, hypomyelinating, 6. Last evaluated: 2023-07-17. Review status: criteria provided, single submitter. Criteria: Invitae Variant Classification Sherloc (09022015). Collection method: clinical testing. Allele origin: germline.
Comment: This variant is a gross deletion of the genomic region encompassing exon(s) 4 of the TUBB4A gene, which includes the termination codon. This deletion extends beyond the assayed region for this gene and therefore may encompass additional genes. While this deletion is not anticipated to lead to nonsense mediated decay, it is expected to alter mRNA translation or result in a truncated protein product. This variant has not been reported in the literature in individuals affected with TUBB4A-related conditions. Experimental studies and prediction algorithms are not available or were not evaluated, and the functional significance of this variant is currently unknown. In summary, the available evidence is currently insufficient to determine the role of this variant in disease. Therefore, it has been classified as a Variant of Uncertain Significance.